The following is an entry in ClinVar:

NM_005359.6(SMAD4):c.-5_3del (p.Met1fs)

Gene: SMAD4 (SMAD family member 4; plus strand). Cytogenetic location: 18q21.2.
Variant type: Deletion.
Coding change: c.-5_3del on transcript NM_005359.6 (MANE Select); 5 bases upstream of the start codon through coding-DNA position 3, 8 bases deleted (AACAAATG; older notation c.-5_3delAACAAATG).
Protein change: p.Met1fs; shifts the reading frame from methionine 1.
Molecular consequence: frameshift variant, initiator codon variant.
Genome position (GRCh38, 1-based): chr18:51,047,042-51,047,049, AACAAATG deleted; deleting any 8 consecutive bases within chr18:51,047,040-51,047,049 gives the same sequence; the c. name uses the placement nearest the transcript's 3' end. VCF-style (leftmost placement, unchanged base first): chr18-51047039-TTGAACAAA-T. GRCh37 (hg19) VCF-style: chr18-48573409-TTGAACAAA-T.
Other names: c.-5_3delAACAAATG (NM_005359.5, NM_005359.6); short protein forms M1fs.
Identifiers: ClinVar variation 1478101 (VCV001478101.15), dbSNP rs2144400060, ClinGen allele CA2573155394.

ClinVar aggregate classification (germline): Uncertain significance. Review status: criteria provided, multiple submitters, no conflicts (2 of 4 stars). 4 submissions from 4 submitters: Uncertain significance (4). Last evaluated 2025-04-02.

Conditions:
Familial thoracic aortic aneurysm and aortic dissection (TAAD). Also called: Thoracic aortic aneurysms and dissections. Identifiers: Orphanet 91387, MedGen C4707243, MONDO:0019625.
Hereditary cancer-predisposing syndrome. Also called: Tumor predisposition; Hereditary neoplastic syndrome; Hereditary Cancer Syndrome; Neoplastic Syndromes, Hereditary. Identifiers: Orphanet 140162, MedGen C0027672, MeSH D009386, MONDO:0015356.
Juvenile polyposis syndrome (JPS). Identifiers: Orphanet 2929, MedGen C0345893, MONDO:0017380, OMIM 174900.

Submissions (4):

Labcorp Genetics (formerly Invitae), Labcorp
Classification: Uncertain significance for Juvenile polyposis syndrome. Last evaluated: 2025-04-02. Review status: criteria provided, single submitter. Criteria: Invitae Variant Classification Sherloc (09022015). Collection method: clinical testing. Allele origin: germline.
Comment: This sequence change affects the initiator methionine of the SMAD4 mRNA. The next in-frame methionine is located at codon 4. This variant is not present in population databases (gnomAD no frequency). This variant has not been reported in the literature in individuals affected with SMAD4-related conditions. ClinVar contains an entry for this variant (Variation ID: 1478101). Experimental studies and prediction algorithms are not available or were not evaluated, and the functional significance of this variant is currently unknown. In summary, the available evidence is currently insufficient to determine the role of this variant in disease. Therefore, it has been classified as a Variant of Uncertain Significance.

Center for Genomic Medicine, Rigshospitalet, Copenhagen University Hospital
Classification: Uncertain significance. Last evaluated: 2025-03-04. Review status: criteria provided, single submitter. Criteria: ACMG Guidelines, 2015. Collection method: clinical testing. Allele origin: germline.

Ambry Genetics
Classification: Uncertain significance for Hereditary cancer-predisposing syndrome; Familial thoracic aortic aneurysm and aortic dissection. Last evaluated: 2024-01-12. Review status: criteria provided, single submitter. Criteria: Ambry Variant Classification Scheme 2023. Collection method: clinical testing. Allele origin: germline.
Comment: The p.M1? variant (also known as c.-5_3delAACAAATG) is located in coding exon 1 of the SMAD4 gene and results from a deletion of 8 nucleotides from nucleotide position c.-5 to c.3. This alters the methionine residue at the initiation codon (ATG). Variations that modify the initiation codon (ATG) are expected to result in either loss of translation initiation, N-terminal truncation, or cause a shift in the mRNA reading frame; however, there are two alternate in-frame methionines 4, and 24 amino acids from the initiation site, which may result in N-terminal truncations of unknown functional significance. Since supporting evidence is limited at this time, the clinical significance of this alteration remains unclear.

Blueprint Genetics
Classification: Uncertain significance. Last evaluated: 2020-01-08. Review status: criteria provided, single submitter. Criteria: ACMG Guidelines, 2015. Collection method: clinical testing. Allele origin: germline.